The following is an entry in ClinVar:

ClinVar aggregate classification (germline): Uncertain significance (1 of 4 stars; one submission).

Conditions:
Hereditary cancer-predisposing syndrome. Also called: Neoplastic Syndromes, Hereditary; Tumor predisposition; Hereditary Cancer Syndrome; Hereditary neoplastic syndrome. Identifiers: Orphanet 140162, MedGen C0027672, MeSH D009386, MONDO:0015356.

Submission:

Ambry Genetics
Classification: Uncertain significance for Hereditary cancer-predisposing syndrome. Last evaluated: 2025-03-06. Review status: criteria provided, single submitter. Criteria: Ambry Variant Classification Scheme 2023. Collection method: clinical testing. Allele origin: germline.
Comment: The c.-2dupA variant is located in the 5 prime untranslated region (5'UTR) of the CDC73 gene. This variant results from a duplication of one nucleotide at the -2 position upstream from the first translated codon. This nucleotide position is highly conserved in available vertebrate species. Since supporting evidence is limited at this time, the clinical significance of this alteration remains unclear.

NM_024529.5(CDC73):c.-2dup

Gene: CDC73 (cell division cycle 73; plus strand). Cytogenetic location: 1q31.2.
Variant type: Duplication.
Coding change: c.-2dup on transcript NM_024529.5 (MANE Select); 2 bases upstream of the start codon, one base duplicated (A; older notation c.-2dupA).
Molecular consequence: 5 prime UTR variant.
Genome position (GRCh38, 1-based): chr1:193,122,199, A duplicated; the last of 2 consecutive A bases (chr1:193,122,198-193,122,199); duplicating either gives the same sequence. VCF-style (leftmost placement, unchanged base first): chr1-193122197-G-GA. GRCh37 (hg19) VCF-style: chr1-193091327-G-GA.
Other names: c.-2dupA (NM_024529.4).
Identifiers: ClinVar variation 1798662 (VCV001798662.3), dbSNP rs2527280657, ClinGen allele CA2580061738.